The following is an entry in ClinVar:

ClinVar aggregate classification (germline): Likely benign. Review status: criteria provided, multiple submitters, no conflicts (2 of 4 stars). 2 submissions from 2 submitters: Likely benign (2). Last evaluated 2026-05-13.

Conditions:
Neurofibromatosis, type 1 (NF1). Also called: NEUROFIBROMATOSIS, TYPE I, SOMATIC; Peripheral type neurofibromatosis; VON RECKLINGHAUSEN DISEASE; Neurofibromatosis, type I. Identifiers: Orphanet 636, MedGen C0027831, MONDO:0018975, OMIM 162200. Disease mechanism: loss of function.

Allele frequency attached by ClinVar (database versions not stated): gnomAD exomes below 0.00001; gnomAD 0.00001; TOPMed 0.00001.
gnomAD v4.1: 2 of 1,585,112 alleles (0.00013%); highest among the groups gnomAD compares: Non-Finnish European, 0.00017%; no homozygotes.

Submissions (2):

Myriad Genetics, Inc.
Classification: Likely benign for Neurofibromatosis, type 1. Last evaluated: 2026-05-13. Review status: criteria provided, single submitter. Criteria: Myriad Autosomal Dominant, Autosomal Recessive and X-Linked Classification Criteria (2023). Collection method: clinical testing. Allele origin: unknown.
Comment: This variant is considered likely benign. This variant is intronic and is not expected to impact mRNA splicing.

Labcorp Genetics (formerly Invitae), Labcorp
Classification: Likely benign for Neurofibromatosis, type 1. Last evaluated: 2025-10-01. Review status: criteria provided, single submitter. Criteria: Invitae Variant Classification Sherloc (09022015). Collection method: clinical testing. Allele origin: germline.

NM_001042492.3(NF1):c.5812+9T>C

Gene: NF1 (neurofibromin 1; plus strand). Cytogenetic location: 17q11.2.
Variant type: single nucleotide variant.
Coding change: c.5812+9T>C on transcript NM_001042492.3 (MANE Select); 9 bases into the intron after coding-DNA position 5812, T replaced by C.
Molecular consequence: intron variant.
Genome position (GRCh38, 1-based): chr17:31,330,507, T>C. VCF-style: chr17-31330507-T-C. GRCh37 (hg19) VCF-style: chr17-29657525-T-C.
Other names: c.5749+9T>C (NM_000267.4).
Identifiers: ClinVar variation 760033 (VCV000760033.10), dbSNP rs1324552702, ClinGen allele CA728005994.
Genomic context (GRCh38, chr17:31,330,507, plus strand): 5'-CACCTCACGTTAGAATTTTTGGAAGAGTGTATTTCTGGATTTAGCAAATCTAGTAAGTAA[T>C]GATAATTTTCTTTAATACTAACAATTATTCTAAGAGAATTCAAAGAAAACCCTTTCATTT-3'